The following is an entry in ClinVar:

ClinVar aggregate classification (germline): Benign. Review status: criteria provided, multiple submitters, no conflicts (2 of 4 stars). 3 submissions from 3 submitters: Benign (2). 1 of the submissions does not count toward it. Last evaluated 2019-12-31.

Conditions:
RUNX1T1-related disorder. Also called: RUNX1T1-related condition.

Allele frequency attached by ClinVar (database versions not stated): gnomAD exomes 0.00251 and 0.00623; TOPMed 0.02625; gnomAD 0.02516 and 0.02347; 1000 Genomes Project 30x 0.02592; ExAC 0.00766; 1000 Genomes Project 0.02516; ESP Exome Variant Server 0.02553.
gnomAD v4.1: 7,212 of 1,546,428 alleles (0.47%); highest among the groups gnomAD compares: African/African-American, 8.2%; 257 homozygotes.

Submissions (3):

Labcorp Genetics (formerly Invitae), Labcorp
Classification: Benign. Last evaluated: 2019-12-31. Review status: criteria provided, single submitter. Criteria: Invitae Variant Classification Sherloc (09022015). Collection method: clinical testing. Allele origin: germline.

Breakthrough Genomics
Classification: Benign. Review status: criteria provided, single submitter. Criteria: ACMG Guidelines, 2015. Collection method: not provided. Allele origin: germline. Inheritance: Unknown mechanism. Affected: yes.

PreventionGenetics, part of Exact Sciences
Classification: Benign for RUNX1T1-related condition. Last evaluated: 2019-02-18. Review status: no assertion criteria provided. Collection method: clinical testing. Allele origin: germline. Not counted in ClinVar's aggregate classification.
Comment: This variant is classified as benign based on ACMG/AMP sequence variant interpretation guidelines (Richards et al. 2015 PMID: 25741868, with internal and published modifications).

NM_175634.3(RUNX1T1):c.1077+7C>T

Gene: RUNX1T1 (RUNX1 partner transcriptional co-repressor 1; minus strand). Cytogenetic location: 8q21.3.
Variant type: single nucleotide variant.
Coding change: c.1077+7C>T on transcript NM_175634.3 (MANE Select); 7 bases into the intron after coding-DNA position 1077, C replaced by T.
Molecular consequence: intron variant.
Genome position (GRCh38, 1-based): chr8:91,986,880, G>A on the plus strand (C>T on the coding strand, the complement: RUNX1T1 is on the minus strand). VCF-style: chr8-91986880-G-A. GRCh37 (hg19) VCF-style: chr8-92999108-G-A.
Other names: c.966+7C>T (NM_175636.2, NM_175635.3); c.1017+7C>T (NM_001198633.2); c.1161+7C>T (NM_001395209.1); c.1077+7C>T (NM_001198628.2, NM_001198631.2, NM_001198626.2 and 3 more transcripts); c.1254+7C>T (NM_001198679.3, NM_001198679.1); c.1110+7C>T (NM_001198634.2); c.996+7C>T (NM_001198625.2, NM_001198632.2, NM_004349.4).
Identifiers: ClinVar variation 784134 (VCV000784134.8), dbSNP rs2197274, ClinGen allele CA4805976.